The following is an entry in ClinVar:

ClinVar aggregate classification (germline): Conflicting classifications of pathogenicity. Review status: criteria provided, conflicting classifications (1 of 4 stars). 7 submissions from 7 submitters: Uncertain significance (5); Likely benign (1). 1 of the submissions does not count toward it. Last evaluated 2024-12-09.

Conditions:
Hereditary cancer-predisposing syndrome. Also called: Hereditary Cancer Syndrome; Hereditary neoplastic syndrome; Neoplastic Syndromes, Hereditary; Tumor predisposition. Identifiers: Orphanet 140162, MedGen C0027672, MeSH D009386, MONDO:0015356.
STK11-related disorder. Also called: STK11-related condition.
Peutz-Jeghers syndrome (PJS). Also called: POLYPOSIS, HAMARTOMATOUS INTESTINAL; POLYPS-AND-SPOTS SYNDROME; Peutz-Jeghers polyposis; Periorificial lentiginosis syndrome. Identifiers: Orphanet 2869, MedGen C0031269, MeSH D010580, MONDO:0008280, OMIM 175200.

Allele frequency attached by ClinVar (database versions not stated): gnomAD exomes below 0.00001.
gnomAD v4.1: 5 of 1,584,818 alleles (0.00032%); highest among the groups gnomAD compares: Non-Finnish European, 0.00026%; no homozygotes.

Submissions (7):

Labcorp Genetics (formerly Invitae), Labcorp
Classification: Uncertain significance for Peutz-Jeghers syndrome. Last evaluated: 2024-12-09. Review status: criteria provided, single submitter. Criteria: Invitae Variant Classification Sherloc (09022015). Collection method: clinical testing. Allele origin: germline.
Comment: This sequence change replaces alanine, which is neutral and non-polar, with threonine, which is neutral and polar, at codon 410 of the STK11 protein (p.Ala410Thr). This variant is not present in population databases (gnomAD no frequency). This variant has not been reported in the literature in individuals affected with STK11-related conditions. ClinVar contains an entry for this variant (Variation ID: 921934). Invitae Evidence Modeling of protein sequence and biophysical properties (such as structural, functional, and spatial information, amino acid conservation, physicochemical variation, residue mobility, and thermodynamic stability) indicates that this missense variant is not expected to disrupt STK11 protein function with a negative predictive value of 95%. In summary, the available evidence is currently insufficient to determine the role of this variant in disease. Therefore, it has been classified as a Variant of Uncertain Significance.

Ambry Genetics
Classification: Likely benign for Hereditary cancer-predisposing syndrome. Last evaluated: 2024-05-13. Review status: criteria provided, single submitter. Criteria: Ambry Variant Classification Scheme 2023. Collection method: clinical testing. Allele origin: germline.

Molecular Pathology, Peter Maccallum Cancer Centre
Classification: Uncertain significance for Peutz-Jeghers syndrome. Last evaluated: 2024-05-06. Review status: criteria provided, single submitter. Criteria: ACMG Guidelines, 2015. Collection method: clinical testing. Allele origin: germline. Inheritance: Autosomal dominant inheritance.

Color Diagnostics, LLC DBA Color Health
Classification: Uncertain significance for Hereditary cancer-predisposing syndrome. Last evaluated: 2023-12-05. Review status: criteria provided, single submitter. Criteria: ACMG Guidelines, 2015. Collection method: clinical testing. Allele origin: germline.
Comment: This missense variant replaces alanine with threonine at codon 410 of the STK11 protein. Computational prediction suggests that this variant may not impact protein structure and function (internally defined REVEL score threshold <= 0.5, PMID: 27666373). To our knowledge, functional studies have not been reported for this variant. This variant has not been reported in individuals affected with STK11-related disorders in the literature. This variant has not been identified in the general population by the Genome Aggregation Database (gnomAD). The available evidence is insufficient to determine the role of this variant in disease conclusively. Therefore, this variant is classified as a Variant of Uncertain Significance.

GeneDx
Classification: Uncertain significance. Last evaluated: 2021-12-27. Review status: criteria provided, single submitter. Criteria: GeneDx Variant Classification Process June 2021. Collection method: clinical testing. Allele origin: germline. Affected: yes.
Comment: Not observed at significant frequency in large population cohorts (gnomAD); In silico analysis supports that this missense variant does not alter protein structure/function; Has not been previously published as pathogenic or benign to our knowledge; This variant is associated with the following publications: (PMID: 28900777)

Genome-Nilou Lab
Classification: Uncertain significance for Peutz-Jeghers syndrome. Last evaluated: 2021-07-15. Review status: criteria provided, single submitter. Criteria: ACMG Guidelines, 2015. Collection method: clinical testing. Allele origin: germline. Affected: no.

PreventionGenetics, part of Exact Sciences
Classification: Uncertain significance for STK11-related condition. Last evaluated: 2024-08-13. Review status: no assertion criteria provided. Collection method: clinical testing. Allele origin: germline. Not counted in ClinVar's aggregate classification.
Comment: The STK11 c.1228G>A variant is predicted to result in the amino acid substitution p.Ala410Thr. To our knowledge, this variant has not been reported in the literature or in gnomAD, indicating this variant is rare. This variant is classified as a variant of uncertain significance in ClinVar. At this time, the clinical significance of this variant is uncertain due to the absence of conclusive functional and genetic evidence.

NM_000455.5(STK11):c.1228G>A (p.Ala410Thr)

Gene: STK11 (serine/threonine kinase 11; plus strand). Cytogenetic location: 19p13.3.
Variant type: single nucleotide variant.
Coding change: c.1228G>A on transcript NM_000455.5 (MANE Select); coding-DNA position 1228, G replaced by A.
Protein change: p.Ala410Thr; replaces alanine 410 with threonine.
Molecular consequence: missense variant.
Genome position (GRCh38, 1-based): chr19:1,226,573, G>A. VCF-style: chr19-1226573-G-A. GRCh37 (hg19) VCF-style: chr19-1226572-G-A.
Other names: short protein forms A410T.
Identifiers: ClinVar variation 921934 (VCV000921934.18), dbSNP rs2080823389, ClinGen allele CA402953860.